The following is an entry in ClinVar:

NM_012330.4(KAT6B):c.4075del (p.Glu1359fs)

Gene: KAT6B (lysine acetyltransferase 6B; plus strand). Cytogenetic location: 10q22.2.
Variant type: Deletion.
Coding change: c.4075del on transcript NM_012330.4 (MANE Select); coding-DNA position 4075, one base deleted (G; older notation c.4075delG).
Protein change: p.Glu1359fs; shifts the reading frame from glutamic acid 1359.
Molecular consequence: frameshift variant.
Genome position (GRCh38, 1-based): chr10:75,028,899, G deleted; the last of 2 consecutive G bases (chr10:75,028,898-75,028,899); deleting either gives the same sequence. VCF-style (leftmost placement, unchanged base first): chr10-75028897-AG-A. GRCh37 (hg19) VCF-style: chr10-76788655-AG-A.
Other names: c.3526del, p.Glu1176fs (NM_001256468.2, NM_001370138.1); c.3199del, p.Glu1067fs (NM_001256469.2, NM_001370139.1, NM_001370140.1 and 2 more transcripts); c.3037del, p.Glu1013fs (NM_001370132.1); c.2386del, p.Glu796fs (NM_001370133.1); c.1990del, p.Glu664fs (NM_001370134.1); c.1732del, p.Glu578fs (NM_001370135.1); c.4075del, p.Glu1359fs (NM_001370136.1, NM_001370137.1); c.3010del, p.Glu1004fs (NM_001370143.1, NM_001370144.1); short protein forms E1004fs, E1013fs, E1067fs, E1176fs, E1359fs, E578fs, E664fs, E796fs.
Identifiers: ClinVar variation 3345128 (VCV003345128.1).
Genomic context (GRCh38, chr10:75,028,897, plus strand): 5'-CACCAGGTGAAAAACCAGAAGATGATCTCATCAAACCTGAGGAAGAGGAAGAGGAGGAGG[AG>A]GAGGAAGAGGAAGAAGAGGAAGAAGAGGAAGGGGAAGAAGAAGAAGGAGGAGGAAATGTA-3'

ClinVar aggregate classification (germline): Likely pathogenic (0 of 4 stars; one submission).

Conditions:
KAT6B-related disorder. Also called: KAT6B-related disorders; KAT6B-related condition.

Submission:

PreventionGenetics, part of Exact Sciences
Classification: Likely pathogenic for KAT6B-related condition. Last evaluated: 2024-04-24. Review status: no assertion criteria provided. Collection method: clinical testing. Allele origin: germline.
Comment: The KAT6B c.4075delG variant is predicted to result in a frameshift and premature protein termination (p.Glu1359Argfs*20). To our knowledge, this variant has not been reported in the literature or in a large population database, indicating this variant is rare. Frameshift variants in KAT6B are expected to be pathogenic. This variant is interpreted as likely pathogenic.